The following is an entry in ClinVar:

NM_013275.6(ANKRD11):c.6469del (p.Glu2157fs)

Gene: ANKRD11 (ankyrin repeat domain 11; minus strand). Cytogenetic location: 16q24.3.
Variant type: Deletion.
Coding change: c.6469del on transcript NM_013275.6 (MANE Select); coding-DNA position 6469, one base deleted (G; older notation c.6469delG).
Protein change: p.Glu2157fs; shifts the reading frame from glutamic acid 2157.
Molecular consequence: frameshift variant.
Genome position (GRCh38, 1-based): chr16:89,280,073, C deleted on the plus strand (G on the coding strand, the reverse complement: ANKRD11 is on the minus strand); the first of 2 consecutive C bases (chr16:89,280,073-89,280,074); deleting either gives the same sequence. VCF-style (leftmost placement, unchanged base first): chr16-89280072-TC-T. GRCh37 (hg19) VCF-style: chr16-89346480-TC-T.
Other names: c.6469del, p.Glu2157fs (NM_001256182.2, NM_001256183.2); short protein forms E2157fs.
Identifiers: ClinVar variation 975882 (VCV000975882.2), dbSNP rs2034054366, ClinGen allele CA1139664900.

ClinVar aggregate classification (germline): Likely pathogenic. Review status: criteria provided, single submitter (1 of 4 stars). 2 submissions from 1 submitter: Likely pathogenic (2). Last evaluated 2020-08-03.

Conditions:
Intellectual disability. Also called: intellectual disabilities; Intellectual developmental disorder; Intellectual functioning disability. Identifiers: MedGen C3714756, MeSH D008607, MONDO:0001071, HP:0001249.
KBG syndrome (KBGS). Also called: ANKRD11-Related KBG Syndrome. Identifiers: Orphanet 2332, MedGen C0220687, MONDO:0007846, OMIM 148050.

Submissions (2):

Institute of Human Genetics, University of Leipzig Medical Center
Classification: Likely pathogenic for Intellectual disability. Last evaluated: 2020-08-03. Review status: criteria provided, single submitter. Criteria: ACMG Guidelines, 2015. Collection method: clinical testing. Allele origin: unknown. Affected: yes.
Comment: Inheritance for this variant was unknown. The variant likely explains the NDD in this individual.

Institute of Human Genetics, University of Leipzig Medical Center
Classification: Likely pathogenic for KBG syndrome. Last evaluated: 2018-10-17. Review status: criteria provided, single submitter. Criteria: ACMG Guidelines, 2015. Collection method: clinical testing. Allele origin: germline. Affected: yes. Observed: 1 variant allele.